The following is an entry in ClinVar:

ClinVar aggregate classification (germline): Uncertain significance (1 of 4 stars; one submission).

Conditions:
Progressive sclerosing poliodystrophy (MTDPS4A). Also called: ALPERS PROGRESSIVE INFANTILE POLIODYSTROPHY; NEURONAL DEGENERATION OF CHILDHOOD WITH LIVER DISEASE, PROGRESSIVE; Alpers Syndrome; ALPERS DIFFUSE DEGENERATION OF CEREBRAL GRAY MATTER WITH HEPATIC CIRRHOSIS; Alpers-Huttenlocher Syndrome; Mitochondrial DNA depletion syndrome 4A (Alpers type). Identifiers: Orphanet 726, MedGen C0205710, MONDO:0008758, OMIM 203700.

Submission:

Labcorp Genetics (formerly Invitae), Labcorp
Classification: Uncertain significance for Progressive sclerosing poliodystrophy. Last evaluated: 2023-06-23. Review status: criteria provided, single submitter. Criteria: Invitae Variant Classification Sherloc (09022015). Collection method: clinical testing. Allele origin: germline.
Comment: Algorithms developed to predict the effect of sequence changes on RNA splicing suggest that this variant may disrupt the consensus splice site. Advanced modeling of protein sequence and biophysical properties (such as structural, functional, and spatial information, amino acid conservation, physicochemical variation, residue mobility, and thermodynamic stability) performed at Invitae indicates that this missense variant is not expected to disrupt POLG protein function. This variant has not been reported in the literature in individuals affected with POLG-related conditions. This variant is not present in population databases (gnomAD no frequency). This sequence change replaces isoleucine, which is neutral and non-polar, with methionine, which is neutral and non-polar, at codon 1020 of the POLG protein (p.Ile1020Met). In summary, the available evidence is currently insufficient to determine the role of this variant in disease. Therefore, it has been classified as a Variant of Uncertain Significance.

NM_002693.3(POLG):c.3060T>G (p.Ile1020Met)

Gene: POLG (DNA polymerase gamma, catalytic subunit; minus strand). Cytogenetic location: 15q26.1.
Variant type: single nucleotide variant.
Coding change: c.3060T>G on transcript NM_002693.3 (MANE Select); coding-DNA position 3060, T replaced by G.
Protein change: p.Ile1020Met; replaces isoleucine 1020 with methionine.
Molecular consequence: missense variant.
Genome position (GRCh38, 1-based): chr15:89,319,272, A>C on the plus strand (T>G on the coding strand, the complement: POLG is on the minus strand). VCF-style: chr15-89319272-A-C. GRCh37 (hg19) VCF-style: chr15-89862503-A-C.
Other names: c.3060T>G, p.Ile1020Met (NM_001126131.2); short protein forms I1020M.
Identifiers: ClinVar variation 2725509 (VCV002725509.3), dbSNP rs2152059776, ClinGen allele CA393751337.